The following is an entry in ClinVar:

NM_016239.4(MYO15A):c.931G>T (p.Asp311Tyr)

Gene: MYO15A (myosin XVA; plus strand). Cytogenetic location: 17p11.2.
Variant type: single nucleotide variant.
Coding change: c.931G>T on transcript NM_016239.4 (MANE Select); coding-DNA position 931, G replaced by T.
Protein change: p.Asp311Tyr; replaces aspartic acid 311 with tyrosine.
Molecular consequence: missense variant.
Genome position (GRCh38, 1-based): chr17:18,119,731, G>T. VCF-style: chr17-18119731-G-T. GRCh37 (hg19) VCF-style: chr17-18023045-G-T.
Other names: short protein forms D311Y.
Identifiers: ClinVar variation 228968 (VCV000228968.9), dbSNP rs876657906, ClinGen allele CA10577011.

ClinVar aggregate classification (germline): Uncertain significance. Review status: criteria provided, multiple submitters, no conflicts (2 of 4 stars). 3 submissions from 3 submitters: Uncertain significance (3). Last evaluated 2024-11-19.

Allele frequency attached by ClinVar (database versions not stated): gnomAD exomes 0.00001; gnomAD 0.00002; TOPMed 0.00003.
gnomAD v4.1: 23 of 1,612,318 alleles (0.0014%); highest among the groups gnomAD compares: Non-Finnish European, 0.0017%; no homozygotes.

Submissions (3):

Blueprint Genetics
Classification: Uncertain significance. Last evaluated: 2024-11-19. Review status: criteria provided, single submitter. Criteria: ACMG Guidelines, 2015. Collection method: clinical testing. Allele origin: germline.

Labcorp Genetics (formerly Invitae), Labcorp
Classification: Uncertain significance. Last evaluated: 2024-04-05. Review status: criteria provided, single submitter. Criteria: Invitae Variant Classification Sherloc (09022015). Collection method: clinical testing. Allele origin: germline.
Comment: This sequence change replaces aspartic acid, which is acidic and polar, with tyrosine, which is neutral and polar, at codon 311 of the MYO15A protein (p.Asp311Tyr). This variant is present in population databases (no rsID available, gnomAD 0.003%). This variant has not been reported in the literature in individuals affected with MYO15A-related conditions. ClinVar contains an entry for this variant (Variation ID: 228968). Advanced modeling of protein sequence and biophysical properties (such as structural, functional, and spatial information, amino acid conservation, physicochemical variation, residue mobility, and thermodynamic stability) performed at Invitae indicates that this missense variant is not expected to disrupt MYO15A protein function with a negative predictive value of 95%. In summary, the available evidence is currently insufficient to determine the role of this variant in disease. Therefore, it has been classified as a Variant of Uncertain Significance.

Laboratory for Molecular Medicine, Mass General Brigham Personalized Medicine
Classification: Uncertain significance. Last evaluated: 2016-01-23. Review status: criteria provided, single submitter. Criteria: LMM Criteria. Collection method: clinical testing. Allele origin: germline. Observed: 1 variant allele.
Comment: The p.Asp311Tyr variant in MYO15A has not been previously reported in individual s with hearing loss and was absent from large population studies. Computational prediction tools and conservation analysis do not provide strong support for or against an impact to the protein. In summary, the clinical significance of the p .Asp311Tyr variant is uncertain.